The following is an entry in ClinVar:

ClinVar aggregate classification (germline): Likely benign. Review status: criteria provided, multiple submitters, no conflicts (2 of 4 stars). 2 submissions from 2 submitters: Likely benign (2). Last evaluated 2025-08-01.

Conditions:
Hereditary cancer-predisposing syndrome. Also called: Hereditary neoplastic syndrome; Neoplastic Syndromes, Hereditary; Tumor predisposition; Hereditary Cancer Syndrome. Identifiers: Orphanet 140162, MedGen C0027672, MeSH D009386, MONDO:0015356.

Submissions (2):

CeGaT Center for Human Genetics Tuebingen
Classification: Likely benign. Last evaluated: 2025-08-01. Review status: criteria provided, single submitter. Criteria: CeGaT Center For Human Genetics Tuebingen Variant Classification Criteria Version 2. Collection method: clinical testing. Allele origin: germline. Affected: yes. Observed: 1 variant allele.
Comment: SUFU: PM2:Supporting, BP4, BP7

Ambry Genetics
Classification: Likely benign for Hereditary cancer-predisposing syndrome. Last evaluated: 2019-11-19. Review status: criteria provided, single submitter. Criteria: Ambry Variant Classification Scheme 2023. Collection method: clinical testing. Allele origin: germline.

NM_016169.4(SUFU):c.840G>A (p.Arg280=)

Gene: SUFU (SUFU negative regulator of hedgehog signaling; plus strand). Cytogenetic location: 10q24.32.
Variant type: single nucleotide variant.
Coding change: c.840G>A on transcript NM_016169.4 (MANE Select); coding-DNA position 840, G replaced by A.
Protein change: p.Arg280=; no amino-acid change (arginine 280 retained).
Molecular consequence: synonymous variant.
Genome position (GRCh38, 1-based): chr10:102,597,223, G>A. VCF-style: chr10-102597223-G-A. GRCh37 (hg19) VCF-style: chr10-104356980-G-A.
Other names: c.840G>A, p.Arg280= (NM_001178133.2).
Identifiers: ClinVar variation 1763286 (VCV001763286.10), dbSNP rs2135881663, ClinGen allele CA471299928.